The following is an entry in ClinVar:

ClinVar aggregate classification (germline): Uncertain significance. Review status: criteria provided, multiple submitters, no conflicts (2 of 4 stars). 3 submissions from 3 submitters: Uncertain significance (2). 1 of the submissions does not count toward it. Last evaluated 2025-03-24.

Conditions:
NF1-related disorder. Also called: NF1-related condition. Identifiers: MedGen CN379171.
Cardiovascular phenotype. Identifiers: MedGen CN230736.
Hereditary cancer-predisposing syndrome. Also called: Hereditary Cancer Syndrome; Tumor predisposition; Neoplastic Syndromes, Hereditary; Hereditary neoplastic syndrome. Identifiers: Orphanet 140162, MedGen C0027672, MeSH D009386, MONDO:0015356.
Neurofibromatosis, type 1 (NF1). Also called: VON RECKLINGHAUSEN DISEASE; Neurofibromatosis, type I; NEUROFIBROMATOSIS, TYPE I, SOMATIC; Peripheral type neurofibromatosis. Identifiers: Orphanet 636, MedGen C0027831, MONDO:0018975, OMIM 162200. Disease mechanism: loss of function.

Allele frequency attached by ClinVar (database versions not stated): TOPMed below 0.00001; gnomAD 0.00001.
gnomAD v4.1: 1 of 1,613,940 alleles (0.000062%); highest among the groups gnomAD compares: Non-Finnish European, 0.000085%; no homozygotes.

Submissions (3):

Labcorp Genetics (formerly Invitae), Labcorp
Classification: Uncertain significance for Neurofibromatosis, type 1. Last evaluated: 2025-03-24. Review status: criteria provided, single submitter. Criteria: Invitae Variant Classification Sherloc (09022015). Collection method: clinical testing. Allele origin: germline.
Comment: This sequence change replaces isoleucine, which is neutral and non-polar, with threonine, which is neutral and polar, at codon 275 of the NF1 protein (p.Ile275Thr). This variant is not present in population databases (gnomAD no frequency). This variant has not been reported in the literature in individuals affected with NF1-related conditions. ClinVar contains an entry for this variant (Variation ID: 646833). Invitae Evidence Modeling of protein sequence and biophysical properties (such as structural, functional, and spatial information, amino acid conservation, physicochemical variation, residue mobility, and thermodynamic stability) has been performed for this missense variant. However, the output from this modeling did not meet the statistical confidence thresholds required to predict the impact of this variant on NF1 protein function. In summary, the available evidence is currently insufficient to determine the role of this variant in disease. Therefore, it has been classified as a Variant of Uncertain Significance.

Ambry Genetics
Classification: Uncertain significance for Cardiovascular phenotype; Hereditary cancer-predisposing syndrome. Last evaluated: 2021-05-19. Review status: criteria provided, single submitter. Criteria: Ambry Variant Classification Scheme 2023. Collection method: clinical testing. Allele origin: germline.
Comment: The p.I275T variant (also known as c.824T>C), located in coding exon 8 of the NF1 gene, results from a T to C substitution at nucleotide position 824. The isoleucine at codon 275 is replaced by threonine, an amino acid with similar properties. This amino acid position is not well conserved in available vertebrate species. In addition, the in silico prediction for this alteration is inconclusive. Since supporting evidence is limited at this time, the clinical significance of this alteration remains unclear.

PreventionGenetics, part of Exact Sciences
Classification: Uncertain significance for NF1-related condition. Last evaluated: 2024-06-14. Review status: no assertion criteria provided. Collection method: clinical testing. Allele origin: germline. Not counted in ClinVar's aggregate classification.
Comment: The NF1 c.824T>C variant is predicted to result in the amino acid substitution p.Ile275Thr. To our knowledge, this variant has not been reported in the literature or in a large population database, indicating this variant is rare. This has been interpreted as a variant of uncertain significance by multiple submitters in ClinVar. At this time, the clinical significance of this variant is uncertain due to the absence of conclusive functional and genetic evidence.

NM_001042492.3(NF1):c.824T>C (p.Ile275Thr)

Gene: NF1 (neurofibromin 1; plus strand). Cytogenetic location: 17q11.2.
Variant type: single nucleotide variant.
Coding change: c.824T>C on transcript NM_001042492.3 (MANE Select); coding-DNA position 824, T replaced by C.
Protein change: p.Ile275Thr; replaces isoleucine 275 with threonine.
Molecular consequence: missense variant.
Genome position (GRCh38, 1-based): chr17:31,182,601, T>C. VCF-style: chr17-31182601-T-C. GRCh37 (hg19) VCF-style: chr17-29509619-T-C.
Other names: c.824T>C, p.Ile275Thr (NM_000267.4, NM_001128147.3); short protein forms I275T.
Identifiers: ClinVar variation 646833 (VCV000646833.11), dbSNP rs1406698961, ClinGen allele CA398991003.